The following is an entry in ClinVar:

NM_014208.3(DSPP):c.3123T>C (p.Asp1041=)

Genes: DMP1-AS1 (DMP1 and DSPP antisense RNA 1; minus strand), DSPP (dentin sialophosphoprotein; plus strand). Cytogenetic location: 4q22.1.
Variant type: single nucleotide variant.
Coding change: c.3123T>C on transcript NM_014208.3 (MANE Select); coding-DNA position 3123, T replaced by C.
Protein change: p.Asp1041=; no amino-acid change (aspartic acid 1041 retained).
Molecular consequence: synonymous variant.
Genome position (GRCh38, 1-based): chr4:87,615,785, T>C. VCF-style: chr4-87615785-T-C. GRCh37 (hg19) VCF-style: chr4-88536937-T-C.
Identifiers: ClinVar variation 2672995 (VCV002672995.23), dbSNP rs1342008580, ClinGen allele CA3001427.
Genomic context (GRCh38, chr4:87,615,785, plus strand): 5'-CAGCAATAGCAGTGACAGCAGCAACAGCAGTGACAGCAGCGATAGCAGTGACAGCAGCGA[T>C]AGCAGTGACAGCAGCGATAGCAGTGACAGCAGTGACAGCAGCAATAGCAGTGACAGCAGT-3'
Protein context (NP_055023.2, residues 1031-1051): SDSSDSSDSS[Asp1041=]SSDSSDSSDS

ClinVar aggregate classification (germline): Likely benign (1 of 4 stars; one submission).

Allele frequency attached by ClinVar (database versions not stated): ExAC 0.00010.

Submission:

CeGaT Center for Human Genetics Tuebingen
Classification: Likely benign. Last evaluated: 2025-03-01. Review status: criteria provided, single submitter. Criteria: CeGaT Center For Human Genetics Tuebingen Variant Classification Criteria Version 2. Collection method: clinical testing. Allele origin: germline. Affected: yes. Observed: 2 variant alleles.
Comment: DSPP: BP4, BP7